The following is an entry in ClinVar:

ClinVar aggregate classification (germline): Conflicting classifications of pathogenicity. Review status: criteria provided, conflicting classifications (1 of 4 stars). 2 submissions from 2 submitters: Uncertain significance (1); Likely benign (1). Last evaluated 2025-08-21.

Conditions:
Intellectual developmental disorder, autosomal dominant 43. Also called: Intellectual disability, autosomal dominant 43. Identifiers: MedGen C4707429, MONDO:0014858, OMIM 616977.

Allele frequency attached by ClinVar (database versions not stated): gnomAD 0.00004 and 0.00006; TOPMed 0.00002.
gnomAD v4.1: 34 of 1,614,080 alleles (0.0021%); highest among the groups gnomAD compares: Admixed American, 0.03%; no homozygotes.

Submissions (2):

Labcorp Genetics (formerly Invitae), Labcorp
Classification: Likely benign. Last evaluated: 2025-08-21. Review status: criteria provided, single submitter. Criteria: Invitae Variant Classification Sherloc (09022015). Collection method: clinical testing. Allele origin: germline.

Baylor Genetics
Classification: Uncertain significance for Intellectual developmental disorder, autosomal dominant 43. Last evaluated: 2018-06-11. Review status: criteria provided, single submitter. Criteria: ACMG Guidelines, 2015. Collection method: clinical testing. Allele origin: paternal. Affected: yes.
Comment: This variant was determined to be of uncertain significance according to ACMG Guidelines, 2015 [PMID:25741868].

NM_006734.4(HIVEP2):c.4465C>G (p.Arg1489Gly)

Gene: HIVEP2 (HIVEP zinc finger 2; minus strand). Cytogenetic location: 6q24.2.
Variant type: single nucleotide variant.
Coding change: c.4465C>G on transcript NM_006734.4 (MANE Select); coding-DNA position 4465, C replaced by G.
Protein change: p.Arg1489Gly; replaces arginine 1489 with glycine.
Molecular consequence: missense variant.
Genome position (GRCh38, 1-based): chr6:142,770,274, G>C on the plus strand (C>G on the coding strand, the complement: HIVEP2 is on the minus strand). VCF-style: chr6-142770274-G-C. GRCh37 (hg19) VCF-style: chr6-143091411-G-C.
Other names: short protein forms R1489G.
Identifiers: ClinVar variation 1033138 (VCV001033138.6), dbSNP rs768721723, ClinGen allele CA4028076.